The following is an entry in ClinVar:

NM_000059.4(BRCA2):c.9151C>A (p.Pro3051Thr)

Gene: BRCA2 (BRCA2 DNA repair associated; plus strand). Cytogenetic location: 13q13.1.
Variant type: single nucleotide variant.
Coding change: c.9151C>A on transcript NM_000059.4 (MANE Select); coding-DNA position 9151, C replaced by A.
Protein change: p.Pro3051Thr; replaces proline 3051 with threonine.
Molecular consequence: missense variant.
Genome position (GRCh38, 1-based): chr13:32,380,040, C>A. VCF-style: chr13-32380040-C-A. GRCh37 (hg19) VCF-style: chr13-32954177-C-A.
Other names: short protein forms P3051T.
Identifiers: ClinVar variation 531433 (VCV000531433.11), dbSNP rs1555288536, ClinGen allele CA387757909.

ClinVar aggregate classification (germline): Conflicting classifications of pathogenicity. Review status: criteria provided, conflicting classifications (1 of 4 stars). 3 submissions from 3 submitters: Uncertain significance (2); Likely benign (1). Last evaluated 2025-05-16.

Conditions:
Hereditary cancer-predisposing syndrome. Also called: Hereditary neoplastic syndrome; Neoplastic Syndromes, Hereditary; Tumor predisposition; Hereditary Cancer Syndrome. Identifiers: Orphanet 140162, MedGen C0027672, MeSH D009386, MONDO:0015356.
Hereditary breast ovarian cancer syndrome. Also called: Hereditary breast and ovarian cancer syndrome (HBOC); BRCA1- and BRCA2-Associated Hereditary Breast and Ovarian Cancer; Hereditary breast and ovarian cancer syndrome; Breast and ovarian cancer; Hereditary breast and ovarian cancer; Hereditary breast and/or ovarian cancer syndrome. Identifiers: Orphanet 145, MedGen C0677776, MeSH D061325, MONDO:0003582. Disease mechanism: loss of function.
BRCA2-related cancer predisposition. Identifiers: MedGen CN377758, MONDO:0700269.

Submissions (3):

Ambry Genetics
Classification: Likely benign for Hereditary cancer-predisposing syndrome. Last evaluated: 2025-05-16. Review status: criteria provided, single submitter. Criteria: Ambry Variant Classification Scheme 2023. Collection method: clinical testing. Allele origin: germline.

All of Us Research Program, National Institutes of Health
Classification: Uncertain significance for BRCA2-related cancer predisposition. Last evaluated: 2024-04-25. Review status: criteria provided, single submitter. Criteria: ACMG Guidelines, 2015. Collection method: clinical testing. Allele origin: germline. Inheritance: Autosomal dominant inheritance. Observed: 1 variant allele, 1 heterozygote.
Comment: This missense variant replaces proline with threonine at codon 3051 of the BRCA2 protein. Computational prediction is inconclusive regarding the impact of this variant on protein structure and function. To our knowledge, functional studies have not been reported for this variant. This variant has not been reported as a germline mutation in individuals affected with BRCA2-related disorders in the literature. This variant has not been identified in the general population by the Genome Aggregation Database (gnomAD). The available evidence is insufficient to determine the role of this variant in disease conclusively. Therefore, this variant is classified as a Variant of Uncertain Significance.

This study involves interpretation of variants in research participants for the purpose of population health screening. Participant phenotype was not available at the time of variant classification. Additional details can be found in publication PMID: 35346344, PMCID: PMC8962531

Labcorp Genetics (formerly Invitae), Labcorp
Classification: Uncertain significance for Hereditary breast ovarian cancer syndrome. Last evaluated: 2022-08-23. Review status: criteria provided, single submitter. Criteria: Invitae Variant Classification Sherloc (09022015). Collection method: clinical testing. Allele origin: germline.
Comment: In summary, the available evidence is currently insufficient to determine the role of this variant in disease. Therefore, it has been classified as a Variant of Uncertain Significance. Advanced modeling of protein sequence and biophysical properties (such as structural, functional, and spatial information, amino acid conservation, physicochemical variation, residue mobility, and thermodynamic stability) performed at Invitae indicates that this missense variant is not expected to disrupt BRCA2 protein function. This sequence change replaces proline, which is neutral and non-polar, with threonine, which is neutral and polar, at codon 3051 of the BRCA2 protein (p.Pro3051Thr). This variant is not present in population databases (gnomAD no frequency). This variant has not been reported in the literature in individuals affected with BRCA2-related conditions. ClinVar contains an entry for this variant (Variation ID: 531433).

Literature cited by the submitters: PubMed 39779848 (cited by Ambry Genetics); PubMed 39779857 (cited by Ambry Genetics).